The following is an entry in ClinVar:

NM_001035.3(RYR2):c.12278A>G (p.Asp4093Gly)

Gene: RYR2 (ryanodine receptor 2; plus strand). Cytogenetic location: 1q43.
Variant type: single nucleotide variant.
Coding change: c.12278A>G on transcript NM_001035.3 (MANE Select); coding-DNA position 12278, A replaced by G.
Protein change: p.Asp4093Gly; replaces aspartic acid 4093 with glycine.
Molecular consequence: missense variant.
Genome position (GRCh38, 1-based): chr1:237,783,990, A>G. VCF-style: chr1-237783990-A-G. GRCh37 (hg19) VCF-style: chr1-237947290-A-G.
Other names: short protein forms D4093G.
Identifiers: ClinVar variation 1318472 (VCV001318472.4), dbSNP rs2149353168, ClinGen allele CA345412870.

ClinVar aggregate classification (germline): Uncertain significance. Review status: criteria provided, multiple submitters, no conflicts (2 of 4 stars). 2 submissions from 2 submitters: Uncertain significance (2). Last evaluated 2021-04-29.

Conditions:
Cardiovascular phenotype. Identifiers: MedGen CN230736.

Submissions (2):

GeneDx
Classification: Uncertain significance. Last evaluated: 2021-04-29. Review status: criteria provided, single submitter. Criteria: GeneDx Variant Classification Process June 2021. Collection method: clinical testing. Allele origin: germline. Affected: yes.
Comment: Has not been previously published as pathogenic or benign to our knowledge; Not observed in large population cohorts (Lek et al., 2016); In silico analysis supports that this missense variant has a deleterious effect on protein structure/function; Located in one of the three hot-spot regions of the RYR2 gene, where the majority of pathogenic missense variants occur (Medeiros-Domingo et al., 2009)

Ambry Genetics
Classification: Uncertain significance for Cardiovascular phenotype. Last evaluated: 2020-11-19. Review status: criteria provided, single submitter. Criteria: Ambry Variant Classification Scheme 2023. Collection method: clinical testing. Allele origin: germline.
Comment: The p.D4093G variant (also known as c.12278A>G), located in coding exon 90 of the RYR2 gene, results from an A to G substitution at nucleotide position 12278. The aspartic acid at codon 4093 is replaced by glycine, an amino acid with similar properties. This variant has been detected in an individual referred for catecholaminergic polymorphic ventricular tachycardia (CPVT) genetic testing; however, clinical details were not provided (Kapplinger JD et al. Circ Genom Precis Med, 2018 02;11:e001424). This amino acid position is highly conserved in available vertebrate species. In addition, this alteration is predicted to be deleterious by in silico analysis. Since supporting evidence is limited at this time, the clinical significance of this alteration remains unclear.

Literature cited by the submitters: PubMed 29453246 (cited by Ambry Genetics).